The following is an entry in ClinVar:

NM_018180.3(DHX32):c.583G>A (p.Asp195Asn)

Gene: DHX32 (DEAH-box helicase 32 (putative); minus strand). Cytogenetic location: 10q26.2.
Variant type: single nucleotide variant.
Coding change: c.583G>A on transcript NM_018180.3 (MANE Select); coding-DNA position 583, G replaced by A.
Protein change: p.Asp195Asn; replaces aspartic acid 195 with asparagine.
Molecular consequence: missense variant.
Genome position (GRCh38, 1-based): chr10:125,859,869, C>T on the plus strand (G>A on the coding strand, the complement: DHX32 is on the minus strand). VCF-style: chr10-125859869-C-T. GRCh37 (hg19) VCF-style: chr10-127548438-C-T.
Other names: short protein forms D195N.
Identifiers: ClinVar variation 4753194 (VCV004753194.1).

ClinVar aggregate classification (germline): Uncertain significance (1 of 4 stars; one submission).

gnomAD v4.1: 5 of 1,613,992 alleles (0.00031%); highest among the groups gnomAD compares: African/African-American, 0.0067%; no homozygotes.

Submission:

Labcorp Genetics (formerly Invitae), Labcorp
Classification: Uncertain significance. Last evaluated: 2025-10-03. Review status: criteria provided, single submitter. Criteria: Invitae Variant Classification Sherloc (09022015). Collection method: clinical testing. Allele origin: germline.
Comment: This sequence change replaces aspartic acid, which is acidic and polar, with asparagine, which is neutral and polar, at codon 195 of the DHX32 protein (p.Asp195Asn). This variant is present in population databases (rs368470851, gnomAD 0.008%). This variant has not been reported in the literature in individuals affected with DHX32-related conditions. An algorithm developed to predict the effect of missense changes on protein structure and function (PolyPhen-2) suggests that this variant is likely to be disruptive. In summary, the available evidence is currently insufficient to determine the role of this variant in disease. Therefore, it has been classified as a Variant of Uncertain Significance.